The following is an entry in ClinVar:

NM_000426.4(LAMA2):c.3392C>G (p.Thr1131Ser)

Gene: LAMA2 (laminin subunit alpha 2; plus strand). Cytogenetic location: 6q22.33.
Variant type: single nucleotide variant.
Coding change: c.3392C>G on transcript NM_000426.4 (MANE Select); coding-DNA position 3392, C replaced by G.
Protein change: p.Thr1131Ser; replaces threonine 1131 with serine.
Molecular consequence: missense variant.
Genome position (GRCh38, 1-based): chr6:129,313,078, C>G. VCF-style: chr6-129313078-C-G. GRCh37 (hg19) VCF-style: chr6-129634223-C-G.
Other names: c.3392C>G, p.Thr1131Ser (NM_001079823.2); short protein forms T1131S.
Identifiers: ClinVar variation 1939896 (VCV001939896.5), dbSNP rs1774334323, ClinGen allele CA365612116.

ClinVar aggregate classification (germline): Uncertain significance (1 of 4 stars; one submission).

Conditions:
LAMA2-related muscular dystrophy (LAMA2-RD). Also called: Laminin alpha 2-related dystrophy. Identifiers: MedGen C5679788, MONDO:0100228.

Submission:

Labcorp Genetics (formerly Invitae), Labcorp
Classification: Uncertain significance for LAMA2-related muscular dystrophy. Last evaluated: 2022-06-14. Review status: criteria provided, single submitter. Criteria: Invitae Variant Classification Sherloc (09022015). Collection method: clinical testing. Allele origin: germline.
Comment: This variant has not been reported in the literature in individuals affected with LAMA2-related conditions. In summary, the available evidence is currently insufficient to determine the role of this variant in disease. Therefore, it has been classified as a Variant of Uncertain Significance. Advanced modeling of protein sequence and biophysical properties (such as structural, functional, and spatial information, amino acid conservation, physicochemical variation, residue mobility, and thermodynamic stability) performed at Invitae indicates that this missense variant is not expected to disrupt LAMA2 protein function. This variant is not present in population databases (gnomAD no frequency). This sequence change replaces threonine, which is neutral and polar, with serine, which is neutral and polar, at codon 1131 of the LAMA2 protein (p.Thr1131Ser).